The following is an entry in ClinVar:

ClinVar aggregate classification (germline): Pathogenic (1 of 4 stars; one submission).

Conditions:
Hypophosphatasia. Also called: Phosphoethanol-aminuria. Identifiers: Orphanet 436, MedGen C0020630, MeSH D007014, MONDO:0018570.

Submission:

Genomenon, Inc
Classification: Pathogenic for Hypophosphatasia. Last evaluated: 2025-08-29. Review status: criteria provided, single submitter. Criteria: Genomenon Sequence Variant Interpretation Standards. Collection method: curation. Allele origin: germline. Affected: yes.
Comment: ALPL c.998-1G>T is a canonical splice variant located in the acceptor splice region of intron 9. This variant has been observed in at least one proband affected with hypophosphatasia (PMID:11438998). It is absent or not present at a significant frequency in gnomAD. In conclusion, we classify ALPL c.998-1G>T as a pathogenic variant.

Literature cited by the submitters: PubMed 11438998.

NM_000478.6(ALPL):c.998-1G>T

Gene: ALPL (alkaline phosphatase, biomineralization associated; plus strand). Cytogenetic location: 1p36.12.
Variant type: single nucleotide variant.
Coding change: c.998-1G>T on transcript NM_000478.6 (MANE Select); the canonical splice acceptor site of the intron before coding-DNA position 998, G replaced by T.
Molecular consequence: splice acceptor variant.
Genome position (GRCh38, 1-based): chr1:21,575,732, G>T. VCF-style: chr1-21575732-G-T. GRCh37 (hg19) VCF-style: chr1-21902225-G-T.
Other names: c.998-1G>T (NM_001369805.2, NM_001369804.2, NM_001369803.2); c.833-1G>T (NM_001127501.4); c.767-1G>T (NM_001177520.3).
Identifiers: ClinVar variation 4086852 (VCV004086852.1).